The following is an entry in ClinVar:

ClinVar aggregate classification (germline): Uncertain significance (1 of 4 stars; one submission).

Conditions:
Dextro-looped transposition of the great arteries. Also called: Dextrotransposition of the great arteries. Identifiers: Orphanet 860, MedGen C3531771, MONDO:0019443, OMIM 608808, HP:0031348.

Submission:

Labcorp Genetics (formerly Invitae), Labcorp
Classification: Uncertain significance for Dextro-looped transposition of the great arteries. Last evaluated: 2025-03-31. Review status: criteria provided, single submitter. Criteria: Invitae Variant Classification Sherloc (09022015). Collection method: clinical testing. Allele origin: germline.
Comment: This sequence change replaces serine, which is neutral and polar, with alanine, which is neutral and non-polar, at codon 365 of the MED13L protein (p.Ser365Ala). This variant is not present in population databases (gnomAD no frequency). This variant has not been reported in the literature in individuals affected with MED13L-related conditions. Invitae Evidence Modeling of protein sequence and biophysical properties (such as structural, functional, and spatial information, amino acid conservation, physicochemical variation, residue mobility, and thermodynamic stability) indicates that this missense variant is not expected to disrupt MED13L protein function with a negative predictive value of 80%. In summary, the available evidence is currently insufficient to determine the role of this variant in disease. Therefore, it has been classified as a Variant of Uncertain Significance.

NM_015335.5(MED13L):c.1093T>G (p.Ser365Ala)

Gene: MED13L (mediator complex subunit 13L; minus strand). Cytogenetic location: 12q24.21.
Variant type: single nucleotide variant.
Coding change: c.1093T>G on transcript NM_015335.5 (MANE Select); coding-DNA position 1093, T replaced by G.
Protein change: p.Ser365Ala; replaces serine 365 with alanine.
Molecular consequence: missense variant.
Genome position (GRCh38, 1-based): chr12:116,015,191, A>C on the plus strand (T>G on the coding strand, the complement: MED13L is on the minus strand). VCF-style: chr12-116015191-A-C. GRCh37 (hg19) VCF-style: chr12-116452996-A-C.
Other names: short protein forms S365A.
Identifiers: ClinVar variation 4744953 (VCV004744953.1).
Genomic context (GRCh38, chr12:116,015,191, plus strand): 5'-TGCATTCCTTCCAGACTCGATGGACCATATGATTGTGGAGTTTTGGAGGAATCTTCCCCG[A>C]TCTCTTTGGACTGTGCATCGTTATCATCCCTCCATCTTGGGAAACCAGGTGACTGGCAGC-3'
Protein context (NP_056150.1, residues 355-375): GMITMHSPKR[Ser365Ala]GKIPPKLHNH